The following is an entry in ClinVar:

NM_018714.3(COG1):c.218C>A (p.Ala73Asp)

Gene: COG1 (component of oligomeric golgi complex 1; plus strand). Cytogenetic location: 17q25.1.
Variant type: single nucleotide variant.
Coding change: c.218C>A on transcript NM_018714.3 (MANE Select); coding-DNA position 218, C replaced by A.
Protein change: p.Ala73Asp; replaces alanine 73 with aspartic acid.
Molecular consequence: missense variant.
Genome position (GRCh38, 1-based): chr17:73,193,287, C>A. VCF-style: chr17-73193287-C-A. GRCh37 (hg19) VCF-style: chr17-71189426-C-A.
Other names: short protein forms A73D.
Identifiers: ClinVar variation 2585042 (VCV002585042.1), dbSNP rs2511075043, ClinGen allele CA400879917.

ClinVar aggregate classification (germline): Uncertain significance (1 of 4 stars; one submission).

Conditions:
COG1 congenital disorder of glycosylation (CDG2G). Also called: CONGENITAL DISORDER OF GLYCOSYLATION, TYPE IIg; CDG IIg; CDGII/COG1 CEREBROCOSTOMANDIBULAR-LIKE SYNDROME. Identifiers: Orphanet 263508, MedGen C2931011, MONDO:0012637, OMIM 611209.

Allele frequency attached by ClinVar (database versions not stated): gnomAD exomes below 0.00001.
gnomAD v4.1: 2 of 1,600,504 alleles (0.00012%); highest among the groups gnomAD compares: South Asian, 0.0022%; no homozygotes.

Submission:

Neuberg Centre For Genomic Medicine, NCGM
Classification: Uncertain significance for COG1 congenital disorder of glycosylation. Review status: criteria provided, single submitter. Criteria: ACMG Guidelines, 2015. Collection method: clinical testing. Allele origin: germline. Inheritance: Autosomal recessive inheritance. Affected: yes.
Comment: The missense variant c.218C>A (p.Ala73Asp) in COG1 gene has not been reported previously as a pathogenic variant nor as a benign variant, to our knowledge. The p.Ala73Asp variant is novel (not in any individuals) in gnomAD exomes and 1000 Genomes. This variant has not been reported to the ClinVar database. The amino acid Ala at position 73 is changed to a Asp changing protein sequence and it might alter its composition and physico-chemical properties. The amino acid change p.Ala73Asp in COG1 is predicted as conserved by GERP++ and PhyloP across 100 vertebrates. For these reasons, this variant has been classified as Uncertain Significance (VUS).